The following is an entry in ClinVar:

NM_013275.6(ANKRD11):c.5224T>C (p.Ser1742Pro)

Gene: ANKRD11 (ankyrin repeat domain containing 11; minus strand). Cytogenetic location: 16q24.3.
Variant type: single nucleotide variant.
Coding change: c.5224T>C on transcript NM_013275.6 (MANE Select); coding-DNA position 5224, T replaced by C.
Protein change: p.Ser1742Pro; replaces serine 1742 with proline.
Molecular consequence: missense variant.
Genome position (GRCh38, 1-based): chr16:89,281,318, A>G on the plus strand (T>C on the coding strand, the complement: ANKRD11 is on the minus strand). VCF-style: chr16-89281318-A-G. GRCh37 (hg19) VCF-style: chr16-89347726-A-G.
Other names: c.5224T>C, p.Ser1742Pro (NM_001256182.2, NM_001256183.2); short protein forms S1742P.
Identifiers: ClinVar variation 2499930 (VCV002499930.1), dbSNP rs2544229027, ClinGen allele CA397155102.
Genomic context (GRCh38, chr16:89,281,318, plus strand): 5'-CGAAAAAGGAGGGGGAGCAGGCGCTGGTGGGAGCGGTGGGCACGGGCGTGGAGTGCTGCG[A>G]GTCGGCGCAGTCGAACACGAGGTCCGCGTAGTCATCGGCGCTGCAGGACGGGGTCCTGGG-3'
Protein context (NP_037407.4, residues 1732-1752): YADLVFDCAD[Ser1742Pro]QHSTPVPTAP

ClinVar aggregate classification (germline): Uncertain significance (1 of 4 stars; one submission).

Allele frequency attached by ClinVar (database versions not stated): gnomAD exomes below 0.00001.
gnomAD v4.1: 1 of 1,613,852 alleles (0.000062%); highest among the groups gnomAD compares: Non-Finnish European, 0.000085%; no homozygotes.

Submission:

GeneDx
Classification: Uncertain significance. Last evaluated: 2022-10-24. Review status: criteria provided, single submitter. Criteria: GeneDx Variant Classification Process June 2021. Collection method: clinical testing. Allele origin: germline. Affected: yes.
Comment: Not observed at significant frequency in large population cohorts (gnomAD); In silico analysis supports that this missense variant does not alter protein structure/function; Has not been previously published as pathogenic or benign to our knowledge